The following is an entry in ClinVar:

ClinVar aggregate classification (germline): Uncertain significance (1 of 4 stars; one submission).

Conditions:
Complement component 4a deficiency. Also called: C4a deficiency. Identifiers: MedGen C3280642, MONDO:0013721, OMIM 614380.

Submission:

Baylor Genetics
Classification: Uncertain significance for Complement component 4a deficiency. Last evaluated: 2020-06-03. Review status: criteria provided, single submitter. Criteria: ACMG Guidelines, 2015. Collection method: clinical testing. Allele origin: unknown. Affected: yes.
Comment: This variant was determined to be of uncertain significance according to ACMG Guidelines, 2015 [PMID:25741868].

NM_007293.3(C4A):c.3059C>T (p.Pro1020Leu)

Gene: C4A (complement C4A (Chido/Rodgers blood group); plus strand). Cytogenetic location: 6p21.33.
Variant type: single nucleotide variant.
Coding change: c.3059C>T on transcript NM_007293.3 (MANE Select); coding-DNA position 3059, C replaced by T.
Protein change: p.Pro1020Leu; replaces proline 1020 with leucine.
Molecular consequence: missense variant.
Genome position (GRCh38, 1-based): chr6:31,995,444, C>T. VCF-style: chr6-31995444-C-T. GRCh37 (hg19) VCF-style: chr6-31963221-C-T.
Other names: c.3059C>T, p.Pro1020Leu (NM_001252204.2); short protein forms P1020L.
Identifiers: ClinVar variation 1029153 (VCV001029153.1), dbSNP rs1196274661, ClinGen allele CA363539314.